The following is an entry in ClinVar:

NM_001754.5(RUNX1):c.599C>A (p.Pro200His)

Genes: RUNX1 (RUNX family transcription factor 1; minus strand), RUNX1-AS1 (RUNX1 antisense RNA 1; plus strand). Cytogenetic location: 21q22.12.
Variant type: single nucleotide variant.
Coding change: c.599C>A on transcript NM_001754.5 (MANE Select); coding-DNA position 599, C replaced by A.
Protein change: p.Pro200His; replaces proline 200 with histidine.
Molecular consequence: missense variant.
Genome position (GRCh38, 1-based): chr21:34,859,488, G>T on the plus strand (C>A on the coding strand, the complement: RUNX1 is on the minus strand). VCF-style: chr21-34859488-G-T. GRCh37 (hg19) VCF-style: chr21-36231785-G-T.
Other names: NM_001754.5(RUNX1):c.599C>A; p.Pro200His; c.518C>A, p.Pro173His (NM_001001890.3, NM_001122607.2); short protein forms P173H, P200H.
Identifiers: ClinVar variation 1004688 (VCV001004688.10), dbSNP rs2057540949, ClinGen allele CA410207960.

ClinVar aggregate classification (germline): Uncertain significance. Review status: reviewed by expert panel (3 of 4 stars). 2 submissions from 2 submitters: Uncertain significance (1). 1 of the submissions does not count toward it. Last evaluated 2024-08-12.

Conditions:
Hereditary thrombocytopenia and hematological cancer predisposition syndrome associated with RUNX1. Also called: Familial thrombocytopenia with propensity to acute myelogenous leukemia; PLATELET DISORDER, ASPIRIN-LIKE; RUNX1 Familial Platelet Disorder with Associated Myeloid Malignancies; Familial Platelet Disorder with Propensity to Acute Myelogenous Leukemia. Identifiers: Orphanet 71290, MedGen C1832388, MeSH C563324, MONDO:0100083, OMIM 601399.
Hereditary thrombocytopenia and hematologic cancer predisposition syndrome. Identifiers: Orphanet 71290, MedGen CN281654, MONDO:0011071.

Submissions (2):

ClinGen Myeloid Malignancy Variant Curation Expert Panel
Classification: Uncertain significance for Hereditary thrombocytopenia and hematologic cancer predisposition syndrome. Last evaluated: 2024-08-12. Review status: reviewed by expert panel. Criteria: ClinGen MyeloMalig ACMG Specifications v2. Collection method: curation. Allele origin: germline. Inheritance: Autosomal dominant inheritance.
Comment: NM_001754.5(RUNX1):c.599C>A (p.Pro200His) is a missense variant which is completely absent from all population databases with at least 20x coverage for RUNX1 (PM2_supporting). It has a REVEL score of 0.947 (REVEL score ≥ 0.88), meeting PP3. This missense variant is located within the Runt Homology Domain (AA 89-204), but does not occur in an established hotspot residue (PM1_supporting). In summary, the clinical significance of this variant is uncertain. ACMG/AMP criteria applied, as specified by the Myeloid Malignancy Variant Curation Expert Panel for RUNX1: PM1_supporting, PM2_supporting, and PP3.

Labcorp Genetics (formerly Invitae), Labcorp
Classification: Uncertain significance for Hereditary thrombocytopenia and hematological cancer predisposition syndrome associated with RUNX1. Last evaluated: 2020-09-05. Review status: criteria provided, single submitter. Criteria: Invitae Variant Classification Sherloc (09022015). Collection method: clinical testing. Allele origin: germline. Not counted in ClinVar's aggregate classification.
Comment: In summary, the available evidence is currently insufficient to determine the role of this variant in disease. Therefore, it has been classified as a Variant of Uncertain Significance. Algorithms developed to predict the effect of missense changes on protein structure and function are either unavailable or do not agree on the potential impact of this missense change (SIFT: "Deleterious"; PolyPhen-2: "Probably Damaging"; Align-GVGD: "Class C0"). This variant has not been reported in the literature in individuals with RUNX1-related conditions. This variant is not present in population databases (ExAC no frequency). This sequence change replaces proline with histidine at codon 200 of the RUNX1 protein (p.Pro200His). The proline residue is highly conserved and there is a moderate physicochemical difference between proline and histidine.